The following is an entry in ClinVar:

NM_004304.5(ALK):c.1157G>A (p.Trp386Ter)

Gene: ALK (ALK receptor tyrosine kinase; minus strand). Cytogenetic location: 2p23.2.
Variant type: single nucleotide variant.
Coding change: c.1157G>A on transcript NM_004304.5 (MANE Select); coding-DNA position 1157, G replaced by A.
Protein change: p.Trp386Ter; replaces tryptophan 386 with a stop codon.
Molecular consequence: nonsense.
Genome position (GRCh38, 1-based): chr2:29,383,857, C>T on the plus strand (G>A on the coding strand, the complement: ALK is on the minus strand). VCF-style: chr2-29383857-C-T. GRCh37 (hg19) VCF-style: chr2-29606723-C-T.
Other names: short protein forms W386*.
Identifiers: ClinVar variation 2762921 (VCV002762921.3), dbSNP rs2148301797, ClinGen allele CA346585543.

ClinVar aggregate classification (germline): Uncertain significance (1 of 4 stars; one submission).

Conditions:
Neuroblastoma, susceptibility to, 3. Also called: ALK-Related Neuroblastic Tumor Susceptibility. Identifiers: Orphanet 635, MedGen C2751681, MONDO:0013083, OMIM 613014.

Submission:

Labcorp Genetics (formerly Invitae), Labcorp
Classification: Uncertain significance for Neuroblastoma, susceptibility to, 3. Last evaluated: 2023-09-23. Review status: criteria provided, single submitter. Criteria: Invitae Variant Classification Sherloc (09022015). Collection method: clinical testing. Allele origin: germline.
Comment: In summary, the available evidence is currently insufficient to determine the role of this variant in disease. Therefore, it has been classified as a Variant of Uncertain Significance. Algorithms developed to predict the effect of sequence changes on RNA splicing suggest that this variant may create or strengthen a splice site. This variant has not been reported in the literature in individuals affected with ALK-related conditions. This variant is not present in population databases (gnomAD no frequency). This sequence change creates a premature translational stop signal (p.Trp386*) in the ALK gene. It is expected to result in an absent or disrupted protein product. However, the current clinical and genetic evidence is not sufficient to establish whether loss-of-function variants in ALK cause disease.